The following is an entry in ClinVar:

NM_006514.4(SCN10A):c.3355T>A (p.Cys1119Ser)

Genes: SCN10A (sodium voltage-gated channel alpha subunit 10; minus strand), LOC110121288 (VISTA enhancer hs2268; plus strand). Cytogenetic location: 3p22.2.
Variant type: single nucleotide variant.
Coding change: c.3355T>A on transcript NM_006514.4 (MANE Select); coding-DNA position 3355, T replaced by A.
Protein change: p.Cys1119Ser; replaces cysteine 1119 with serine.
Molecular consequence: missense variant.
Genome position (GRCh38, 1-based): chr3:38,722,410, A>T on the plus strand (T>A on the coding strand, the complement: SCN10A is on the minus strand). VCF-style: chr3-38722410-A-T. GRCh37 (hg19) VCF-style: chr3-38763901-A-T.
Other names: c.3352T>A, p.Cys1118Ser (NM_001293306.2); c.3061T>A, p.Cys1021Ser (NM_001293307.2); c.3355T>A (NM_006514.2); short protein forms C1119S, C1021S, C1118S.
Identifiers: ClinVar variation 463248 (VCV000463248.10), dbSNP rs1450059546, ClinGen allele CA352155821.

ClinVar aggregate classification (germline): Uncertain significance. Review status: criteria provided, multiple submitters, no conflicts (2 of 4 stars). 3 submissions from 3 submitters: Uncertain significance (3). Last evaluated 2025-03-25.

Conditions:
Brugada syndrome. Also called: Sudden unexpected nocturnal death syndrome; Sudden unexplained nocturnal death syndrome; Sudden Unexplained Death Syndrome; Sudden Unexplained Nocturnal Death Syndrome (SUNDS). Identifiers: Orphanet 130, MedGen C1142166, MONDO:0015263.
Cardiovascular phenotype. Identifiers: MedGen CN230736.

Allele frequency attached by ClinVar (database versions not stated): gnomAD exomes below 0.00001; TOPMed 0.00002.
gnomAD v4.1: 3 of 1,613,328 alleles (0.00019%); highest among the groups gnomAD compares: Admixed American, 0.0017%; no homozygotes.

Submissions (3):

Ambry Genetics
Classification: Uncertain significance for Cardiovascular phenotype. Last evaluated: 2025-03-25. Review status: criteria provided, single submitter. Criteria: Ambry Variant Classification Scheme 2023. Collection method: clinical testing. Allele origin: germline.
Comment: The p.C1119S variant (also known as c.3355T>A), located in coding exon 19 of the SCN10A gene, results from a T to A substitution at nucleotide position 3355. The cysteine at codon 1119 is replaced by serine, an amino acid with dissimilar properties. This amino acid position is conserved. In addition, this alteration is predicted to be deleterious by in silico analysis. Based on the available evidence, the clinical significance of this variant remains unclear.

GeneDx
Classification: Uncertain significance. Last evaluated: 2024-04-01. Review status: criteria provided, single submitter. Criteria: GeneDx Variant Classification Process June 2021. Collection method: clinical testing. Allele origin: germline.
Comment: Has not been previously published as pathogenic or benign to our knowledge; Not observed at significant frequency in large population cohorts (gnomAD); In silico analysis supports that this missense variant has a deleterious effect on protein structure/function

Labcorp Genetics (formerly Invitae), Labcorp
Classification: Uncertain significance for Brugada syndrome. Last evaluated: 2017-04-03. Review status: criteria provided, single submitter. Criteria: Invitae Variant Classification Sherloc (09022015). Collection method: clinical testing. Allele origin: germline.
Comment: This sequence change replaces cysteine with serine at codon 1119 of the SCN10A protein (p.Cys1119Ser). The cysteine residue is moderately conserved and there is a moderate physicochemical difference between cysteine and serine. This variant is not present in population databases (ExAC no frequency) and has not been reported in the literature in individuals with a SCN10A-related disease. Algorithms developed to predict the effect of missense changes on protein structure and function do not agree on the potential impact of this missense change (SIFT: "Tolerated"; PolyPhen-2: "Probably Damaging"; Align-GVGD: "Class C0"). In summary, this variant is a novel missense change with uncertain impact on protein function. It has been classified as a Variant of Uncertain Significance.